The following is an entry in ClinVar:

NM_001374828.1(ARID1B):c.5287A>G (p.Met1763Val)

Gene: ARID1B (AT-rich interaction domain 1B; plus strand). Cytogenetic location: 6q25.3.
Variant type: single nucleotide variant.
Coding change: c.5287A>G on transcript NM_001374828.1 (MANE Select); coding-DNA position 5287, A replaced by G.
Protein change: p.Met1763Val; replaces methionine 1763 with valine.
Molecular consequence: missense variant.
Genome position (GRCh38, 1-based): chr6:157,203,889, A>G. VCF-style: chr6-157203889-A-G. GRCh37 (hg19) VCF-style: chr6-157525023-A-G.
Other names: c.2788A>G, p.Met930Val (NM_001363725.2); c.5167A>G, p.Met1723Val (NM_001371656.1, NM_001374820.1); c.5416A>G, p.Met1806Val (NM_001438482.1); c.5329A>G, p.Met1777Val (NM_001438483.1); c.5197A>G, p.Met1733Val (NM_001438485.1); c.5170A>G, p.Met1724Val (NM_001438486.1); c.5107A>G, p.Met1703Val (NM_001438487.1); c.2629A>G, p.Met877Val (NM_001438488.1); and 1 more; short protein forms M1710V, M1723V, M1724V, M1806V, M1703V, M1733V, M1763V, M1777V.
Identifiers: ClinVar variation 4768126 (VCV004768126.1).

ClinVar aggregate classification (germline): Uncertain significance (1 of 4 stars; one submission).

Submission:

Labcorp Genetics (formerly Invitae), Labcorp
Classification: Uncertain significance. Last evaluated: 2025-12-29. Review status: criteria provided, single submitter. Criteria: Invitae Variant Classification Sherloc (09022015). Collection method: clinical testing. Allele origin: germline.
Comment: This sequence change replaces methionine, which is neutral and non-polar, with valine, which is neutral and non-polar, at codon 1640 of the ARID1B protein (p.Met1640Val). This variant is not present in population databases (gnomAD no frequency). This variant has not been reported in the literature in individuals affected with ARID1B-related conditions. Invitae Evidence Modeling of protein sequence and biophysical properties (such as structural, functional, and spatial information, amino acid conservation, physicochemical variation, residue mobility, and thermodynamic stability) indicates that this missense variant is not expected to disrupt ARID1B protein function with a negative predictive value of 95%. In summary, the available evidence is currently insufficient to determine the role of this variant in disease. Therefore, it has been classified as a Variant of Uncertain Significance.